The following is an entry in ClinVar:

ClinVar aggregate classification (germline): Conflicting classifications of pathogenicity. Review status: criteria provided, conflicting classifications (1 of 4 stars). 4 submissions from 4 submitters: Uncertain significance (3); Benign (1). Last evaluated 2025-09-09.

Conditions:
Hereditary cancer-predisposing syndrome. Also called: Tumor predisposition; Hereditary Cancer Syndrome; Hereditary neoplastic syndrome; Neoplastic Syndromes, Hereditary. Identifiers: Orphanet 140162, MedGen C0027672, MeSH D009386, MONDO:0015356.
Familial adenomatous polyposis 2. Also called: FAP type 2; MUTYH Polyposis; COLORECTAL ADENOMATOUS POLYPOSIS, AUTOSOMAL RECESSIVE; ADENOMAS, MULTIPLE COLORECTAL, AUTOSOMAL RECESSIVE; MUTYH-associated polyposis; MUTYH-related attenuated familial adenomatous polyposis. Identifiers: Orphanet 220460, Orphanet 247798, MedGen C3272841, MONDO:0012041, OMIM 608456.

gnomAD v4.1: 2 of 1,614,194 alleles (0.00012%); highest among the groups gnomAD compares: Non-Finnish European, 0.00017%; no homozygotes.

Submissions (4):

Ambry Genetics
Classification: Benign for Hereditary cancer-predisposing syndrome. Last evaluated: 2025-09-09. Review status: criteria provided, single submitter. Criteria: Ambry Variant Classification Scheme 2023. Collection method: clinical testing. Allele origin: germline.

Labcorp Genetics (formerly Invitae), Labcorp
Classification: Uncertain significance for Familial adenomatous polyposis 2. Last evaluated: 2024-03-21. Review status: criteria provided, single submitter. Criteria: Invitae Variant Classification Sherloc (09022015). Collection method: clinical testing. Allele origin: germline.
Comment: This sequence change replaces serine, which is neutral and polar, with arginine, which is basic and polar, at codon 99 of the MUTYH protein (p.Ser99Arg). This variant is not present in population databases (gnomAD no frequency). This variant has not been reported in the literature in individuals affected with MUTYH-related conditions. ClinVar contains an entry for this variant (Variation ID: 822410). Algorithms developed to predict the effect of missense changes on protein structure and function output the following: SIFT: "Not Available"; PolyPhen-2: "Benign"; Align-GVGD: "Not Available". The arginine amino acid residue is found in multiple mammalian species, which suggests that this missense change does not adversely affect protein function. In summary, the available evidence is currently insufficient to determine the role of this variant in disease. Therefore, it has been classified as a Variant of Uncertain Significance.

Color Diagnostics, LLC DBA Color Health
Classification: Uncertain significance for Hereditary cancer-predisposing syndrome. Last evaluated: 2024-03-06. Review status: criteria provided, single submitter. Criteria: ACMG Guidelines, 2015. Collection method: clinical testing. Allele origin: germline.
Comment: This missense variant replaces serine with arginine at codon 99 of the MUTYH protein. Computational prediction tool suggests that this variant may not impact protein structure and function (internally defined REVEL score threshold <=0.5, PMID: 27666373). To our knowledge, functional studies have not been performed for this variant. This variant has not been reported in individuals affected with hereditary cancer in the literature. This variant has not been identified in the general population by the Genome Aggregation Database (gnomAD). The available evidence is insufficient to determine the role of this variant in disease conclusively. Therefore, this variant is classified as a Variant of Uncertain Significance.

Mendelics
Classification: Uncertain significance. Last evaluated: 2022-05-04. Review status: criteria provided, single submitter. Criteria: Mendelics Assertion Criteria 2019. Collection method: clinical testing. Allele origin: germline.

NM_001048174.2(MUTYH):c.213C>A (p.Ser71Arg)

Gene: MUTYH (mutY DNA glycosylase; minus strand). Cytogenetic location: 1p34.1.
Variant type: single nucleotide variant.
Coding change: c.213C>A on transcript NM_001048174.2 (MANE Select); coding-DNA position 213, C replaced by A.
Protein change: p.Ser71Arg; replaces serine 71 with arginine.
Molecular consequence: missense variant. On other transcripts: 5 prime UTR variant (4), non-coding transcript variant (2).
Genome position (GRCh38, 1-based): chr1:45,333,464, G>T on the plus strand (C>A on the coding strand, the complement: MUTYH is on the minus strand). VCF-style: chr1-45333464-G-T. GRCh37 (hg19) VCF-style: chr1-45799136-G-T.
Other names: c.213C>A, p.Ser71Arg (NM_001048171.2, NM_001048173.2, NM_001293195.2); c.216C>A, p.Ser72Arg (NM_001048172.2); c.297C>A, p.Ser99Arg (NM_001128425.2); c.258C>A, p.Ser86Arg (NM_001293190.2); c.246C>A, p.Ser82Arg (NM_001293191.2); c.-64C>A (NM_001293192.2, NM_001293196.2); c.-59C>A (NM_001350650.2, NM_001350651.2); c.288C>A, p.Ser96Arg (NM_012222.3); short protein forms S72R, S99R, S82R, S71R, S86R, S96R.
Identifiers: ClinVar variation 822410 (VCV000822410.20), dbSNP rs752209909, ClinGen allele CA340136429.
Genomic context (GRCh38, chr1:45,333,464, plus strand): 5'-CCTGCCTACCCGTCTTCTCCATGGTAGGTCCCGTTTCTCTTGGTCGTACCAGCTTAGCAG[G>T]CTCCCTCGGAAGGCTGTGACTTCAGCTACGTCTCTGAATAGATGGTATGAGGAGACAGAG-3'
Protein context (NP_001041639.1, residues 61-81): DVAEVTAFRG[Ser71Arg]LLSWYDQEKR